The following is an entry in ClinVar:

NM_015311.3(OBSL1):c.1103G>A (p.Arg368His)

Gene: OBSL1 (obscurin like cytoskeletal adaptor 1; minus strand). Cytogenetic location: 2q35.
Variant type: single nucleotide variant.
Coding change: c.1103G>A on transcript NM_015311.3 (MANE Select); coding-DNA position 1103, G replaced by A.
Protein change: p.Arg368His; replaces arginine 368 with histidine.
Molecular consequence: missense variant.
Genome position (GRCh38, 1-based): chr2:219,568,234, C>T on the plus strand (G>A on the coding strand, the complement: OBSL1 is on the minus strand). VCF-style: chr2-219568234-C-T. GRCh37 (hg19) VCF-style: chr2-220432956-C-T.
Other names: c.1103G>A, p.Arg368His (NM_001173408.2, NM_001173431.2); c.1103G>A (NM_015311.2); short protein forms R368H.
Identifiers: ClinVar variation 2146028 (VCV002146028.3), dbSNP rs200447345, ClinGen allele CA2131639.

ClinVar aggregate classification (germline): Uncertain significance. Review status: criteria provided, multiple submitters, no conflicts (2 of 4 stars). 3 submissions from 3 submitters: Uncertain significance (3). Last evaluated 2025-08-11.

Conditions:
Inborn genetic diseases. Identifiers: MedGen C0950123, MeSH D030342.

Allele frequency attached by ClinVar (database versions not stated): gnomAD 0.00003; gnomAD exomes 0.00003; TOPMed 0.00005; ExAC 0.00008; 1000 Genomes Project 30x 0.00016; 1000 Genomes Project 0.00020.
gnomAD v4.1: 43 of 1,613,322 alleles (0.0027%); highest among the groups gnomAD compares: Admixed American, 0.042%; no homozygotes.

Submissions (3):

Ambry Genetics
Classification: Uncertain significance for Inborn genetic diseases. Last evaluated: 2025-08-11. Review status: criteria provided, single submitter. Criteria: Ambry Variant Classification Scheme 2023. Collection method: clinical testing. Allele origin: germline.

Blueprint Genetics
Classification: Uncertain significance. Last evaluated: 2024-07-11. Review status: criteria provided, single submitter. Criteria: ACMG Guidelines, 2015. Collection method: clinical testing. Allele origin: germline.

Labcorp Genetics (formerly Invitae), Labcorp
Classification: Uncertain significance. Last evaluated: 2022-10-05. Review status: criteria provided, single submitter. Criteria: Invitae Variant Classification Sherloc (09022015). Collection method: clinical testing. Allele origin: germline.
Comment: This sequence change replaces arginine, which is basic and polar, with histidine, which is basic and polar, at codon 368 of the OBSL1 protein (p.Arg368His). This variant is present in population databases (rs200447345, gnomAD 0.07%). This variant has not been reported in the literature in individuals affected with OBSL1-related conditions. Algorithms developed to predict the effect of missense changes on protein structure and function are either unavailable or do not agree on the potential impact of this missense change (SIFT: "Tolerated"; PolyPhen-2: "Possibly Damaging"; Align-GVGD: "Class C0"). In summary, the available evidence is currently insufficient to determine the role of this variant in disease. Therefore, it has been classified as a Variant of Uncertain Significance.